The following is an entry in ClinVar:

NM_000051.4(ATM):c.7012C>G (p.Leu2338Val)

Genes: ATM (ATM serine/threonine kinase; plus strand), C11orf65 (chromosome 11 open reading frame 65; minus strand). Cytogenetic location: 11q22.3.
Variant type: single nucleotide variant.
Coding change: c.7012C>G on transcript NM_000051.4 (MANE Select); coding-DNA position 7012, C replaced by G.
Protein change: p.Leu2338Val; replaces leucine 2338 with valine.
Molecular consequence: missense variant. On other transcripts: intron variant (2).
Genome position (GRCh38, 1-based): chr11:108,327,681, C>G. VCF-style: chr11-108327681-C-G. GRCh37 (hg19) VCF-style: chr11-108198408-C-G.
Other names: c.641-18610G>C (NM_001330368.2); c.*38+7539G>C (NM_001351110.2); c.7012C>G, p.Leu2338Val (NM_001351834.2); short protein forms L2338V.
Identifiers: ClinVar variation 619196 (VCV000619196.8), dbSNP rs1555120990, ClinGen allele CA382558718.
Genomic context (GRCh38, chr11:108,327,681, plus strand): 5'-TAAGATTTTGCCTTTCTTATACAGAACAATCCCAGCCTAAAACTTACATACACAGAATGT[C>G]TGAGGGTTTGTGGCAACTGGTTAGCAGAAACGTGCTTAGAAAATCCTGCGGTCATCATGC-3'
Protein context (NP_000042.3, residues 2328-2348): PSLKLTYTEC[Leu2338Val]RVCGNWLAET

ClinVar aggregate classification (germline): Uncertain significance. Review status: criteria provided, multiple submitters, no conflicts (2 of 4 stars). 3 submissions from 3 submitters: Uncertain significance (2). 1 of the submissions does not count toward it. Last evaluated 2026-04-29.

Conditions:
Hereditary cancer-predisposing syndrome. Also called: Hereditary Cancer Syndrome; Neoplastic Syndromes, Hereditary; Tumor predisposition; Hereditary neoplastic syndrome. Identifiers: Orphanet 140162, MedGen C0027672, MeSH D009386, MONDO:0015356.
Ataxia-telangiectasia syndrome (AT). Also called: Cerebello-oculocutaneous telangiectasia; Immunodeficiency with ataxia telangiectasia; Ataxia-telangiectasia, complementation group E; Ataxia-telangiectasia, complementation group D; AT, COMPLEMENTATION GROUP C; ATAXIA-TELANGIECTASIA, COMPLEMENTATION GROUP A. Identifiers: Orphanet 100, MedGen C0004135, MONDO:0008840, OMIM 208900.

Submissions (3):

Ambry Genetics
Classification: Uncertain significance for Hereditary cancer-predisposing syndrome. Last evaluated: 2026-04-29. Review status: criteria provided, single submitter. Criteria: Ambry Variant Classification Scheme 2023. Collection method: clinical testing. Allele origin: germline.
Comment: The p.L2338V variant (also known as c.7012C>G), located in coding exon 47 of the ATM gene, results from a C to G substitution at nucleotide position 7012. The leucine at codon 2338 is replaced by valine, an amino acid with highly similar properties. In an assay testing ATM function, this variant showed a functionally abnormal result (Lee KS et al. Cell, 2025 Sep;188:5081-5099.e27). This amino acid position is highly conserved in available vertebrate species. In addition, this alteration is predicted to be deleterious by in silico analysis. Based on the available evidence, the clinical significance of this variant remains unclear.

Labcorp Genetics (formerly Invitae), Labcorp
Classification: Uncertain significance for Ataxia-telangiectasia syndrome. Last evaluated: 2021-10-04. Review status: criteria provided, single submitter. Criteria: Invitae Variant Classification Sherloc (09022015). Collection method: clinical testing. Allele origin: germline.
Comment: Advanced modeling of protein sequence and biophysical properties (such as structural, functional, and spatial information, amino acid conservation, physicochemical variation, residue mobility, and thermodynamic stability) performed at Invitae indicates that this missense variant is not expected to disrupt ATM protein function. This variant is not present in population databases (ExAC no frequency). This variant has not been reported in the literature in individuals affected with ATM-related conditions. ClinVar contains an entry for this variant (Variation ID: 619196). Algorithms developed to predict the effect of sequence changes on RNA splicing suggest that this variant may create or strengthen a splice site. In summary, the available evidence is currently insufficient to determine the role of this variant in disease. Therefore, it has been classified as a Variant of Uncertain Significance. This sequence change replaces leucine with valine at codon 2338 of the ATM protein (p.Leu2338Val). The leucine residue is highly conserved and there is a small physicochemical difference between leucine and valine.

True Health Diagnostics
Classification: Uncertain significance for Hereditary cancer-predisposing syndrome. Last evaluated: 2018-11-16. Review status: no assertion criteria provided. Collection method: clinical testing. Allele origin: germline. Not counted in ClinVar's aggregate classification.

Literature cited by the submitters: PubMed 40580951 (cited by Ambry Genetics).